The following is an entry in ClinVar:

ClinVar aggregate classification (germline): Uncertain significance (1 of 4 stars; one submission).

gnomAD v4.1: 4 of 1,613,668 alleles (0.00025%); highest among the groups gnomAD compares: Non-Finnish European, 0.00034%; no homozygotes.

Submission:

Ambry Genetics
Classification: Uncertain significance. Last evaluated: 2025-12-02. Review status: criteria provided, single submitter. Criteria: Ambry Variant Classification Scheme 2023. Collection method: clinical testing. Allele origin: germline.
Comment: The c.5802C>A (p.N1934K) alteration is located in exon 41 (coding exon 41) of the SPTA1 gene. This alteration results from a C to A substitution at nucleotide position 5802, causing the asparagine (N) at amino acid position 1934 to be replaced by a lysine (K). Based on data from gnomAD, the A allele has an overall frequency of <0.001% (1/249508) total alleles studied. The highest observed frequency was 0.001% (1/113238) of European (non-Finnish) alleles. Based on insufficient or conflicting evidence, the clinical significance of this alteration remains unclear.

NM_003126.4(SPTA1):c.5802C>A (p.Asn1934Lys)

Gene: SPTA1 (spectrin alpha, erythrocytic 1; minus strand). Cytogenetic location: 1q23.1.
Variant type: single nucleotide variant.
Coding change: c.5802C>A on transcript NM_003126.4 (MANE Select); coding-DNA position 5802, C replaced by A.
Protein change: p.Asn1934Lys; replaces asparagine 1934 with lysine.
Molecular consequence: missense variant.
Genome position (GRCh38, 1-based): chr1:158,626,870, G>T on the plus strand (C>A on the coding strand, the complement: SPTA1 is on the minus strand). VCF-style: chr1-158626870-G-T. GRCh37 (hg19) VCF-style: chr1-158596660-G-T.
Other names: short protein forms N1934K.
Identifiers: ClinVar variation 4589251 (VCV004589251.1).
Genomic context (GRCh38, chr1:158,626,870, plus strand): 5'-CAAGGGACCCTGAACCTGACACATCATACCTATCCAAGCCTCTACCACATCAGCCTTCCA[G>T]TTGAATTCCTGAAAGGCATAATCGTCTTCCAATTGCAACTTCCAAGCAGCTATTGCCTTA-3'
Protein context (NP_003117.2, residues 1924-1944): LEDDYAFQEF[Asn1934Lys]WKADVVEAWI